The following is an entry in ClinVar:

NM_000135.4(FANCA):c.1735T>G (p.Tyr579Asp)

Gene: FANCA (FA complementation group A; minus strand). Cytogenetic location: 16q24.3.
Variant type: single nucleotide variant.
Coding change: c.1735T>G on transcript NM_000135.4 (MANE Select); coding-DNA position 1735, T replaced by G.
Protein change: p.Tyr579Asp; replaces tyrosine 579 with aspartic acid.
Molecular consequence: missense variant.
Genome position (GRCh38, 1-based): chr16:89,778,984, A>C on the plus strand (T>G on the coding strand, the complement: FANCA is on the minus strand). VCF-style: chr16-89778984-A-C. GRCh37 (hg19) VCF-style: chr16-89845392-A-C.
Other names: c.1735T>G, p.Tyr579Asp (NM_001286167.3); short protein forms Y579D.
Identifiers: ClinVar variation 3581532 (VCV003581532.2).

ClinVar aggregate classification (germline): Uncertain significance. Review status: criteria provided, multiple submitters, no conflicts (2 of 4 stars). 2 submissions from 2 submitters: Uncertain significance (2). Last evaluated 2025-07-28.

Conditions:
Inborn genetic diseases. Identifiers: MedGen C0950123, MeSH D030342.
Fanconi anemia complementation group A (FANCA). Also called: FANCA-Related Fanconi Anemia; Fanconi anemia, group A. Identifiers: Orphanet 84, MedGen C3469521, MONDO:0009215, OMIM 227650.

gnomAD v4.1: 1 of 1,613,890 alleles (0.000062%); no homozygotes.

Submissions (2):

Ambry Genetics
Classification: Uncertain significance for Inborn genetic diseases. Last evaluated: 2025-07-28. Review status: criteria provided, single submitter. Criteria: Ambry Variant Classification Scheme 2023. Collection method: clinical testing. Allele origin: germline.
Comment: The p.Y579D variant (also known as c.1735T>G), located in coding exon 19 of the FANCA gene, results from a T to G substitution at nucleotide position 1735. The tyrosine at codon 579 is replaced by aspartic acid, an amino acid with highly dissimilar properties. This amino acid position is conserved. In addition, this alteration is predicted to be deleterious by in silico analysis. Based on the available evidence, the clinical significance of this variant remains unclear.

Fulgent Genetics
Classification: Uncertain significance for Fanconi anemia complementation group A. Last evaluated: 2024-06-08. Review status: criteria provided, single submitter. Criteria: ACMG Guidelines, 2015. Collection method: clinical testing. Allele origin: germline.